The following is an entry in ClinVar:

NM_002299.4(LCT):c.2196A>G (p.Ile732Met)

Gene: LCT (lactase; minus strand). Cytogenetic location: 2q21.3.
Variant type: single nucleotide variant.
Coding change: c.2196A>G on transcript NM_002299.4 (MANE Select); coding-DNA position 2196, A replaced by G.
Protein change: p.Ile732Met; replaces isoleucine 732 with methionine.
Molecular consequence: missense variant.
Genome position (GRCh38, 1-based): chr2:135,812,468, T>C on the plus strand (A>G on the coding strand, the complement: LCT is on the minus strand). VCF-style: chr2-135812468-T-C. GRCh37 (hg19) VCF-style: chr2-136570038-T-C.
Other names: short protein forms I732M.
Identifiers: ClinVar variation 1481889 (VCV001481889.6), dbSNP rs200874677, ClinGen allele CA56616108.

ClinVar aggregate classification (germline): Uncertain significance (1 of 4 stars; one submission).

Allele frequency attached by ClinVar (database versions not stated): gnomAD exomes below 0.00001 and 0.00003; TOPMed below 0.00001.
gnomAD v4.1: 37 of 1,614,254 alleles (0.0023%); highest among the groups gnomAD compares: Non-Finnish European, 0.0031%; no homozygotes.

Submission:

Labcorp Genetics (formerly Invitae), Labcorp
Classification: Uncertain significance. Last evaluated: 2022-01-27. Review status: criteria provided, single submitter. Criteria: Invitae Variant Classification Sherloc (09022015). Collection method: clinical testing. Allele origin: germline.
Comment: In summary, the available evidence is currently insufficient to determine the role of this variant in disease. Therefore, it has been classified as a Variant of Uncertain Significance. Algorithms developed to predict the effect of missense changes on protein structure and function are either unavailable or do not agree on the potential impact of this missense change (SIFT: "Not Available"; PolyPhen-2: "Benign"; Align-GVGD: "Not Available"). This variant has not been reported in the literature in individuals affected with LCT-related conditions. This variant is present in population databases (rs200874677, gnomAD 0.003%). This sequence change replaces isoleucine, which is neutral and non-polar, with methionine, which is neutral and non-polar, at codon 732 of the LCT protein (p.Ile732Met).